The following is an entry in ClinVar:

ClinVar aggregate classification (germline): Uncertain significance (1 of 4 stars; one submission).

Conditions:
Bardet-Biedl syndrome (BBS). Identifiers: Orphanet 110, MedGen C0752166, MONDO:0015229.

Allele frequency attached by ClinVar (database versions not stated): gnomAD exomes below 0.00001; TOPMed below 0.00001; gnomAD 0.00001.
gnomAD v4.1: 2 of 1,613,512 alleles (0.00012%); highest among the groups gnomAD compares: Non-Finnish European, 0.00017%; no homozygotes.

Submission:

Labcorp Genetics (formerly Invitae), Labcorp
Classification: Uncertain significance for Bardet-Biedl syndrome. Last evaluated: 2022-09-12. Review status: criteria provided, single submitter. Criteria: Invitae Variant Classification Sherloc (09022015). Collection method: clinical testing. Allele origin: germline.
Comment: This sequence change replaces alanine, which is neutral and non-polar, with valine, which is neutral and non-polar, at codon 86 of the BBS7 protein (p.Ala86Val). In summary, the available evidence is currently insufficient to determine the role of this variant in disease. Therefore, it has been classified as a Variant of Uncertain Significance. Advanced modeling of protein sequence and biophysical properties (such as structural, functional, and spatial information, amino acid conservation, physicochemical variation, residue mobility, and thermodynamic stability) performed at Invitae indicates that this missense variant is not expected to disrupt BBS7 protein function. ClinVar contains an entry for this variant (Variation ID: 967198). This variant has not been reported in the literature in individuals affected with BBS7-related conditions. This variant is present in population databases (no rsID available, gnomAD 0.007%).

NM_176824.3(BBS7):c.257C>T (p.Ala86Val)

Gene: BBS7 (Bardet-Biedl syndrome 7; minus strand). Cytogenetic location: 4q27.
Variant type: single nucleotide variant.
Coding change: c.257C>T on transcript NM_176824.3 (MANE Select); coding-DNA position 257, C replaced by T.
Protein change: p.Ala86Val; replaces alanine 86 with valine.
Molecular consequence: missense variant.
Genome position (GRCh38, 1-based): chr4:121,861,588, G>A on the plus strand (C>T on the coding strand, the complement: BBS7 is on the minus strand). VCF-style: chr4-121861588-G-A. GRCh37 (hg19) VCF-style: chr4-122782743-G-A.
Other names: c.257C>T, p.Ala86Val (NM_018190.4); short protein forms A86V.
Identifiers: ClinVar variation 967198 (VCV000967198.6), dbSNP rs1274597386, ClinGen allele CA358044510.
Genomic context (GRCh38, chr4:121,861,588, plus strand): 5'-TTTGTTTCAAAGGAGAGGAACTGTTTTCCTCTTTTTGTGAAGCCTCTAATCTCAGATGCT[G>A]CAGCAATAAAAATTTTCTCCTGAGGTGTGTTGATAACCCCTCCCAGTTCCAGCCTTGCAA-3'
Protein context (NP_789794.1, residues 76-96): NTPQEKIFIA[Ala86Val]ASEIRGFTKR